The following is an entry in ClinVar:

ClinVar aggregate classification (germline): Uncertain significance. Review status: criteria provided, multiple submitters, no conflicts (2 of 4 stars). 2 submissions from 2 submitters: Uncertain significance (2). Last evaluated 2024-08-23.

Allele frequency attached by ClinVar (database versions not stated): ExAC 0.00001; gnomAD exomes 0.00001; TOPMed 0.00003; gnomAD 0.00007; 1000 Genomes Project 0.00020; 1000 Genomes Project 30x 0.00031.
gnomAD v4.1: 30 of 1,613,566 alleles (0.0019%); highest among the groups gnomAD compares: Middle Eastern, 0.016%; no homozygotes.

Submissions (2):

GeneDx
Classification: Uncertain significance. Last evaluated: 2024-08-23. Review status: criteria provided, single submitter. Criteria: GeneDx Variant Classification Process June 2021. Collection method: clinical testing. Allele origin: germline. Affected: yes.
Comment: Not observed at significant frequency in large population cohorts (gnomAD); In silico analysis indicates that this missense variant does not alter protein structure/function; Has not been previously published as pathogenic or benign to our knowledge

Ambry Genetics
Classification: Uncertain significance. Last evaluated: 2022-11-30. Review status: criteria provided, single submitter. Criteria: Ambry Variant Classification Scheme 2023. Collection method: clinical testing. Allele origin: germline.

NM_006294.5(UQCRB):c.112A>G (p.Ile38Val)

Gene: UQCRB (ubiquinol-cytochrome c reductase binding protein; minus strand). Cytogenetic location: 8q22.1.
Variant type: single nucleotide variant.
Coding change: c.112A>G on transcript NM_006294.5 (MANE Select); coding-DNA position 112, A replaced by G.
Protein change: p.Ile38Val; replaces isoleucine 38 with valine.
Molecular consequence: missense variant. On other transcripts: non-coding transcript variant (1).
Genome position (GRCh38, 1-based): chr8:96,231,920, T>C on the plus strand (A>G on the coding strand, the complement: UQCRB is on the minus strand). VCF-style: chr8-96231920-T-C. GRCh37 (hg19) VCF-style: chr8-97244148-T-C.
Other names: c.16A>G, p.Ile6Val (NM_001199975.3); c.112A>G, p.Ile38Val (NM_001254752.2); short protein forms I6V, I38V.
Identifiers: ClinVar variation 2330027 (VCV002330027.3), dbSNP rs577844002, ClinGen allele CA4815929.